The following is an entry in ClinVar:

ClinVar aggregate classification (germline): Benign. Review status: criteria provided, multiple submitters, no conflicts (2 of 4 stars). 2 submissions from 2 submitters: Benign (2). Last evaluated 2018-01-13.

Conditions:
Neuronal ceroid lipofuscinosis 7 (CLN7). Also called: MFSD8-Related Neuronal Ceroid-Lipofuscinosis. Identifiers: Orphanet 168491, Orphanet 228366, MedGen C1838571, MONDO:0012588, OMIM 610951.

Allele frequency attached by ClinVar (database versions not stated): gnomAD 0.02684 and 0.03029; TOPMed 0.03406; 1000 Genomes Project 30x 0.06839; 1000 Genomes Project 0.07208.

Submissions (2):

Illumina Laboratory Services, Illumina
Classification: Benign for Neuronal ceroid lipofuscinosis 7. Last evaluated: 2018-01-13. Review status: criteria provided, single submitter. Criteria: ICSL Variant Classification Criteria 13 December 2019. Collection method: clinical testing. Allele origin: germline.
Comment: This variant was observed in the ICSL laboratory as part of a predisposition screen in an ostensibly healthy population. It had not been previously curated by ICSL or reported in the Human Gene Mutation Database (HGMD: prior to June 1st, 2018), and was therefore a candidate for classification through an automated scoring system. Utilizing variant allele frequency, disease prevalence and penetrance estimates, and inheritance mode, an automated score was calculated to assess if this variant is too frequent to cause the disease. Based on the score and internal cut-off values, a variant classified as benign is not then subjected to further curation. The score for this variant resulted in a classification of benign for this disease.

Breakthrough Genomics
Classification: Benign. Review status: criteria provided, single submitter. Criteria: ACMG Guidelines, 2015. Collection method: not provided. Allele origin: germline. Inheritance: Autosomal recessive inheritance. Affected: yes.

NM_001371596.2(MFSD8):c.*2465A>G

Gene: MFSD8 (major facilitator superfamily domain containing 8; minus strand). Cytogenetic location: 4q28.2.
Variant type: single nucleotide variant.
Coding change: c.*2465A>G on transcript NM_001371596.2 (MANE Select); 2465 bases downstream of the stop codon, A replaced by G.
Molecular consequence: 3 prime UTR variant.
Genome position (GRCh38, 1-based): chr4:127,918,165, T>C on the plus strand (A>G on the coding strand, the complement: MFSD8 is on the minus strand). VCF-style: chr4-127918165-T-C. GRCh37 (hg19) VCF-style: chr4-128839320-T-C.
Other names: c.*2465A>G (NM_001363520.3, NM_001363521.3, NM_001371590.2 and 7 more transcripts); c.*3594A>G (NM_001410766.1).
Identifiers: ClinVar variation 347520 (VCV000347520.8), dbSNP rs72616968, ClinGen allele CA10617045.